The following is an entry in ClinVar:

NM_007055.4(POLR3A):c.*920T>C

Gene: POLR3A (RNA polymerase III subunit A; minus strand). Cytogenetic location: 10q22.3.
Variant type: single nucleotide variant.
Coding change: c.*920T>C on transcript NM_007055.4 (MANE Select); 920 bases downstream of the stop codon, T replaced by C.
Molecular consequence: 3 prime UTR variant.
Genome position (GRCh38, 1-based): chr10:77,976,558, A>G on the plus strand (T>C on the coding strand, the complement: POLR3A is on the minus strand). VCF-style: chr10-77976558-A-G. GRCh37 (hg19) VCF-style: chr10-79736316-A-G.
Identifiers: ClinVar variation 301018 (VCV000301018.5), dbSNP rs77590844, ClinGen allele CA10632377.
Genomic context (GRCh38, chr10:77,976,558, plus strand): 5'-AATCCACAATCACATCAGTAGGAAGGGAAAGCACTCATTCTAACACAGATCCAAGAACCA[A>G]TGGCTACCCCGGGTACCTTAACAGCATCAACTCAGAACTTAAAAAATCAACTAGAGATCA-3'

ClinVar aggregate classification (germline): Likely benign (1 of 4 stars; one submission).

Conditions:
Leukodystrophy, hypomyelinating, 7, with or without oligodontia and/or hypogonadotropic hypogonadism (HLD7). Also called: LEUKOENCEPHALOPATHY, HYPOMYELINATING, WITH ATAXIA AND DELAYED DENTITION; ATAXIA, DELAYED DENTITION, AND HYPOMYELINATION; LEUKODYSTROPHY, HYPOMYELINATING, 7, WITH OLIGODONTIA; LEUKODYSTROPHY, HYPOMYELINATING, 7, WITH OLIGODONTIA AND HYPOGONADOTROPIC HYPOGONADISM; LEUKODYSTROPHY, HYPOMYELINATING, 7, WITHOUT OLIGODONTIA OR HYPOGONADOTROPIC HYPOGONADISM; Ataxia, Delayed Dentition and Hypomyelination (ADDH). Identifiers: Orphanet 137639, Orphanet 447893, Orphanet 447896, Orphanet 77295, Orphanet 88637, MedGen CN034185, MONDO:0011897, OMIM 607694.

Allele frequency attached by ClinVar (database versions not stated): gnomAD 0.00057 and 0.00076; TOPMed 0.00071; 1000 Genomes Project 30x 0.00187; 1000 Genomes Project 0.00240.

Submission:

Illumina Laboratory Services, Illumina
Classification: Likely benign for Leukodystrophy, hypomyelinating, 7, with or without oligodontia and/or hypogonadotropic hypogonadism. Last evaluated: 2018-01-13. Review status: criteria provided, single submitter. Criteria: ICSL Variant Classification Criteria 13 December 2019. Collection method: clinical testing. Allele origin: germline.
Comment: This variant was observed in the ICSL laboratory as part of a predisposition screen in an ostensibly healthy population. It had not been previously curated by ICSL or reported in the Human Gene Mutation Database (HGMD: prior to June 1st, 2018), and was therefore a candidate for classification through an automated scoring system. Utilizing variant allele frequency, disease prevalence and penetrance estimates, and inheritance mode, an automated score was calculated to assess if this variant is too frequent to cause the disease. Based on the score and internal cut-off values, a variant classified as likely benign is not then subjected to further curation. The score for this variant resulted in a classification of likely benign for this disease.